The following is an entry in ClinVar:

ClinVar aggregate classification (germline): Likely pathogenic. Review status: criteria provided, multiple submitters, no conflicts (2 of 4 stars). 2 submissions from 2 submitters: Likely pathogenic (2). Last evaluated 2026-02-02.

Conditions:
Glycosylphosphatidylinositol biosynthesis defect 15. Also called: DEVELOPMENTAL DELAY, EPILEPSY, CEREBELLAR ATROPHY, AND OSTEOPENIA. Identifiers: Orphanet 529665, MedGen C4540520, MONDO:0060627, OMIM 617810.

Allele frequency attached by ClinVar (database versions not stated): gnomAD 0.00001; TOPMed 0.00002; ExAC 0.00003; gnomAD exomes 0.00003.
gnomAD v4.1: 7 of 1,611,332 alleles (0.00043%); highest among the groups gnomAD compares: East Asian, 0.016%; no homozygotes.

Submissions (2):

Labcorp Genetics (formerly Invitae), Labcorp
Classification: Likely pathogenic. Last evaluated: 2026-02-02. Review status: criteria provided, single submitter. Criteria: Invitae Variant Classification Sherloc (09022015). Collection method: clinical testing. Allele origin: germline.
Comment: This sequence change affects an acceptor splice site in intron 6 of the GPAA1 gene. It is expected to disrupt RNA splicing. Variants that disrupt the donor or acceptor splice site typically lead to a loss of protein function (PMID: 16199547), and loss-of-function variants in GPAA1 are known to be pathogenic (PMID: 29100095). This variant is present in population databases (rs782689725, gnomAD 0.05%). This variant has not been reported in the literature in individuals affected with GPAA1-related conditions. ClinVar contains an entry for this variant (Variation ID: 1466783). Algorithms developed to predict the effect of sequence changes on RNA splicing suggest that this variant may disrupt the consensus splice site. In summary, the currently available evidence indicates that the variant is pathogenic, but additional data are needed to prove that conclusively. Therefore, this variant has been classified as Likely Pathogenic.

Juno Genomics, Hangzhou Juno Genomics, Inc
Classification: Likely pathogenic for Glycosylphosphatidylinositol biosynthesis defect 15. Review status: criteria provided, single submitter. Criteria: ACMG Guidelines, 2015. Collection method: clinical testing. Allele origin: germline.
Comment: Null variant in a gene where loss of function (LOF) is a known mechanism of disease.;Absent from controls (or at extremely low frequency if recessive) in Genome Aggregation Database.

Literature cited by the submitters: PubMed 16199547 (cited by Labcorp Genetics (formerly Invitae), Labcorp); PubMed 29100095 (cited by Labcorp Genetics (formerly Invitae), Labcorp).

NM_003801.4(GPAA1):c.814-1G>T

Gene: GPAA1 (glycosylphosphatidylinositol anchor attachment 1; plus strand). Cytogenetic location: 8q24.3.
Variant type: single nucleotide variant.
Coding change: c.814-1G>T on transcript NM_003801.4 (MANE Select); the canonical splice acceptor site of the intron before coding-DNA position 814, G replaced by T.
Molecular consequence: splice acceptor variant.
Genome position (GRCh38, 1-based): chr8:144,084,412, G>T. VCF-style: chr8-144084412-G-T. GRCh37 (hg19) VCF-style: chr8-145139315-G-T.
Identifiers: ClinVar variation 1466783 (VCV001466783.10), dbSNP rs782689725, ClinGen allele CA4932942.